The following is an entry in ClinVar:

ClinVar aggregate classification (germline): Likely benign (1 of 4 stars; one submission).

Submission:

CeGaT Center for Human Genetics Tuebingen
Classification: Likely benign. Last evaluated: 2024-07-01. Review status: criteria provided, single submitter. Criteria: CeGaT Center For Human Genetics Tuebingen Variant Classification Criteria Version 2. Collection method: clinical testing. Allele origin: germline. Affected: yes. Observed: 1 variant allele.
Comment: POLR2A: BP4, BP7

NM_000937.5(POLR2A):c.6C>T (p.His2=)

Gene: POLR2A (RNA polymerase II subunit A; plus strand). Cytogenetic location: 17p13.1.
Variant type: single nucleotide variant.
Coding change: c.6C>T on transcript NM_000937.5 (MANE Select); coding-DNA position 6, C replaced by T.
Protein change: p.His2=; no amino-acid change (histidine 2 retained).
Molecular consequence: synonymous variant.
Genome position (GRCh38, 1-based): chr17:7,484,770, C>T. VCF-style: chr17-7484770-C-T. GRCh37 (hg19) VCF-style: chr17-7388089-C-T.
Identifiers: ClinVar variation 3257004 (VCV003257004.17).